The following is an entry in ClinVar:

ClinVar aggregate classification (germline): Conflicting classifications of pathogenicity. Review status: criteria provided, conflicting classifications (1 of 4 stars). 5 submissions from 5 submitters: Uncertain significance (4); Likely benign (1). Last evaluated 2025-05-05.

Conditions:
Inborn genetic diseases. Identifiers: MedGen C0950123, MeSH D030342.
Developmental and epileptic encephalopathy, 12 (DEE12). Identifiers: MedGen C3150988, MONDO:0013389, OMIM 613722.

Allele frequency attached by ClinVar (database versions not stated): gnomAD exomes 0.00001 and 0.00004; ExAC 0.00006; gnomAD 0.00013; TOPMed 0.00015; 1000 Genomes Project 30x 0.00016; 1000 Genomes Project 0.00020.

Submissions (5):

Labcorp Genetics (formerly Invitae), Labcorp
Classification: Likely benign for Developmental and epileptic encephalopathy, 12. Last evaluated: 2025-05-05. Review status: criteria provided, single submitter. Criteria: Invitae Variant Classification Sherloc (09022015). Collection method: clinical testing. Allele origin: germline.

GeneDx
Classification: Uncertain significance. Last evaluated: 2024-12-27. Review status: criteria provided, single submitter. Criteria: GeneDx Variant Classification Process June 2021. Collection method: clinical testing. Allele origin: germline. Affected: yes.
Comment: In silico analysis supports that this missense variant has a deleterious effect on protein structure/function; This variant is associated with the following publications: (PMID: 22508754, 33332469)

Revvity Omics, Revvity
Classification: Uncertain significance. Last evaluated: 2023-04-17. Review status: criteria provided, single submitter. Criteria: ACMG Guidelines, 2015. Collection method: clinical testing. Allele origin: germline.

Ambry Genetics
Classification: Uncertain significance for Inborn genetic diseases. Last evaluated: 2018-04-24. Review status: criteria provided, single submitter. Criteria: Ambry Variant Classification Scheme 2023. Collection method: clinical testing. Allele origin: germline.
Comment: The p.G244R variant (also known as c.730G>C), located in coding exon 6 of the PNKP gene, results from a G to C substitution at nucleotide position 730. The glycine at codon 244 is replaced by arginine, an amino acid with dissimilar properties. This amino acid position is well conserved in available vertebrate species. In addition, this alteration is predicted to be tolerated by in silico analysis. Since supporting evidence is limited at this time, the clinical significance of this alteration remains unclear.

Center for Pediatric Genomic Medicine, Children's Mercy Hospital and Clinics
Classification: Uncertain significance. Last evaluated: 2016-09-13. Review status: criteria provided, single submitter. Criteria: ACMG Guidelines, 2015. Collection method: clinical testing. Allele origin: germline.
ClinVar note: Converted during submission from Uncertain Significance to Uncertain significance.

NM_007254.4(PNKP):c.730G>C (p.Gly244Arg)

Gene: PNKP (polynucleotide kinase 3'-phosphatase; minus strand). Cytogenetic location: 19q13.33.
Variant type: single nucleotide variant.
Coding change: c.730G>C on transcript NM_007254.4 (MANE Select); coding-DNA position 730, G replaced by C.
Protein change: p.Gly244Arg; replaces glycine 244 with arginine.
Molecular consequence: missense variant.
Genome position (GRCh38, 1-based): chr19:49,863,978, C>G on the plus strand (G>C on the coding strand, the complement: PNKP is on the minus strand). VCF-style: chr19-49863978-C-G. GRCh37 (hg19) VCF-style: chr19-50367235-C-G.
Other names: short protein forms G244R.
Identifiers: ClinVar variation 377243 (VCV000377243.20), dbSNP rs562480894, ClinGen allele CA9586820.